The following is an entry in ClinVar:

ClinVar aggregate classification (germline): Conflicting classifications of pathogenicity. Review status: criteria provided, conflicting classifications (1 of 4 stars). 2 submissions from 2 submitters: Pathogenic (1); Uncertain significance (1). Last evaluated 2023-10-03.

Conditions:
Severe X-linked myotubular myopathy (CNMX). Also called: MYOTUBULAR MYOPATHY 1; X-linked centronuclear myopathy; Myotubular myopathy, X-linked. Identifiers: Orphanet 596, MedGen C0410203, MONDO:0010683, OMIM 310400.

Submissions (3):

Labcorp Genetics (formerly Invitae), Labcorp
Classification: Uncertain significance for Severe X-linked myotubular myopathy. Last evaluated: 2023-10-03. Review status: criteria provided, single submitter. Criteria: Invitae Variant Classification Sherloc (09022015). Collection method: clinical testing. Allele origin: germline.
Comment: This sequence change replaces aspartic acid, which is acidic and polar, with glycine, which is neutral and non-polar, at codon 210 of the MTM1 protein (p.Asp210Gly). This variant is not present in population databases (gnomAD no frequency). This variant has not been reported in the literature in individuals affected with MTM1-related conditions. ClinVar contains an entry for this variant (Variation ID: 158988). Advanced modeling of protein sequence and biophysical properties (such as structural, functional, and spatial information, amino acid conservation, physicochemical variation, residue mobility, and thermodynamic stability) performed at Invitae indicates that this missense variant is expected to disrupt MTM1 protein function. In summary, the available evidence is currently insufficient to determine the role of this variant in disease. Therefore, it has been classified as a Variant of Uncertain Significance.

Genetic Services Laboratory, University of Chicago
Classification: Pathogenic for Myotubular myopathy, X-linked. Last evaluated: 2013-02-08. Review status: criteria provided, single submitter. Criteria: ACMG Guidelines, 2007. Collection method: clinical testing. Allele origin: germline. Inheritance: X-linked inheritance. Affected: yes.

Dr. Peter K. Rogan Lab, Western University
No classification provided (evidence only). Condition: Nonpapillary renal cell carcinoma. Review status: no classification provided. Collection method: in vitro. Allele origin: not applicable. Functional consequence: retained intron. Not counted in ClinVar's aggregate classification.

NM_000252.3(MTM1):c.629A>G (p.Asp210Gly)

Gene: MTM1 (myotubularin 1; plus strand). Cytogenetic location: Xq28.
Variant type: single nucleotide variant.
Coding change: c.629A>G on transcript NM_000252.3 (MANE Select); coding-DNA position 629, A replaced by G.
Protein change: p.Asp210Gly; replaces aspartic acid 210 with glycine.
Molecular consequence: missense variant.
Genome position (GRCh38, 1-based): chrX:150,641,369, A>G. VCF-style: chrX-150641369-A-G. GRCh37 (hg19) VCF-style: chrX-149809842-A-G.
Other names: c.629A>G, p.Asp210Gly (NM_001376906.1, NM_001376908.1); c.518A>G, p.Asp173Gly (NM_001376907.1); short protein forms D210G, D173G.
Identifiers: ClinVar variation 158988 (VCV000158988.10), dbSNP rs587783842, ClinGen allele CA271911.